The following is an entry in ClinVar:

ClinVar aggregate classification (germline): Benign (0 of 4 stars; one submission).

Conditions:
CR1-related disorder. Also called: CR1-related condition.

Allele frequency attached by ClinVar (database versions not stated): ESP Exome Variant Server 0.00008; TOPMed 0.00013; gnomAD 0.00050; ExAC 0.00197; 1000 Genomes Project 30x 0.00359; 1000 Genomes Project 0.00419.
gnomAD v4.1: 1,403 of 1,603,868 alleles (0.087%); highest among the groups gnomAD compares: South Asian, 1.4%; 24 homozygotes.

Submission:

PreventionGenetics, part of Exact Sciences
Classification: Benign for CR1-related condition. Last evaluated: 2019-04-04. Review status: no assertion criteria provided. Collection method: clinical testing. Allele origin: germline.
Comment: This variant is classified as benign based on ACMG/AMP sequence variant interpretation guidelines (Richards et al. 2015 PMID: 25741868, with internal and published modifications).

NM_000651.6(CR1):c.5302C>T (p.His1768Tyr)

Gene: CR1 (complement C3b/C4b receptor 1 (Knops blood group); plus strand). Cytogenetic location: 1q32.2.
Variant type: single nucleotide variant.
Coding change: c.5302C>T on transcript NM_000651.6 (MANE Select); coding-DNA position 5302, C replaced by T.
Protein change: p.His1768Tyr; replaces histidine 1768 with tyrosine.
Molecular consequence: missense variant.
Genome position (GRCh38, 1-based): chr1:207,582,003, C>T. VCF-style: chr1-207582003-C-T. GRCh37 (hg19) VCF-style: chr1-207755348-C-T.
Other names: c.3952C>T, p.His1318Tyr (NM_000573.4, NM_001381851.1); short protein forms H1318Y, H1768Y.
Identifiers: ClinVar variation 3047970 (VCV003047970.2), dbSNP rs201880876, ClinGen allele CA1370122.